The following is an entry in ClinVar:

NM_014727.3(KMT2B):c.8C>A (p.Ala3Glu)

Gene: KMT2B (lysine methyltransferase 2B; plus strand). Cytogenetic location: 19q13.12.
Variant type: single nucleotide variant.
Coding change: c.8C>A on transcript NM_014727.3 (MANE Select); coding-DNA position 8, C replaced by A.
Protein change: p.Ala3Glu; replaces alanine 3 with glutamic acid.
Molecular consequence: missense variant.
Genome position (GRCh38, 1-based): chr19:35,718,026, C>A. VCF-style: chr19-35718026-C-A. GRCh37 (hg19) VCF-style: chr19-36208928-C-A.
Other names: short protein forms A3E.
Identifiers: ClinVar variation 4873901 (VCV004873901.2).

ClinVar aggregate classification (germline): Uncertain significance (1 of 4 stars; one submission).

Submission:

CeGaT Center for Human Genetics Tuebingen
Classification: Uncertain significance. Last evaluated: 2026-04-01. Review status: criteria provided, single submitter. Criteria: CeGaT Center For Human Genetics Tuebingen Variant Classification Criteria Version 2. Collection method: clinical testing. Allele origin: germline. Affected: yes. Observed: 1 variant allele.
Comment: KMT2B: PM2